The following continues an entry in ClinVar:

NM_007194.4(CHEK2):c.190G>A (p.Glu64Lys)

Gene: CHEK2. ClinVar aggregate classification (germline): Conflicting classifications of pathogenicity. Likely pathogenic (14); Established risk allele (1); Uncertain significance (22). ClinVar aggregate classification (oncogenicity): Uncertain significance.

Submissions 9 to 17 of 45:

Color Diagnostics, LLC DBA Color Health
Classification: Likely pathogenic for Hereditary cancer-predisposing syndrome. Last evaluated: 2025-07-21. Review status: criteria provided, single submitter. Criteria: ACMG Guidelines, 2015. Collection method: clinical testing. Allele origin: germline.
Comment: This missense variant replaces glutamic acid with lysine at codon 64 of the CHEK2 protein. Computational prediction suggests that this variant may not impact protein structure and function. Multiple functional studies have shown this variant to disrupt CHEK2 function in kinase assays and DNA damage response (PMID: 16835864, 22419737, 31050813, 33606978, 34903604). One study has shown normal growth of yeast cells expressing the mutant protein following induction of DNA damage (PMID, 30851065). This variant has been reported in individuals affected with breast cancer (PMID: 22114986, 25503501, 26681312, 26845104, 26976419, 27616075, 31050813, 33919281, 36011273, 36315097), colorectal cancer (PMID: 26681312, 27696107, 28135145), ovarian cancer (PMID: 26681312, 27779110), pancreatic cancer (PMID: 26845104), prostate cancer (PMID: 12533788, 16835864, 16941491, 24082139, 27433846, 31220302), and sarcoma (PMID: 35053600). In one study, breast cancer prevalence in women who carry this variant does not show statistically significant difference when compared to women who carry CHEK2 c.1100delC variant (PMID: 32805687). However, this variant has also been reported in two large breast cancer case-control meta-analyses, in 66/60466 cases and 33/53461 unaffected controlsOR=1.769 (95%CI 1.165 to 2.687)(Leiden Open Variation Database DB-ID CHEK2_000075) (PMID: 33471991), and 72/73048 cases and 29/88658 unaffected controls OR=3.0153 (95%CI 1.9592 to 4.6408)(PMID: 37449874). This variant has been identified in 45/282814 chromosomes (39/129148 Non-Finnish European chromosomes) in the general population by the Genome Aggregation Database (gnomAD). This variant has also been identified in 11 of 9884 females over age 70 without personal history of cancer (FLOSSIES database). Based on the available evidence, this variant is classified as Likely Pathogenic. Although the penetrance of this variant has not been determined, its elevated frequency in the population and observations in unaffected individuals suggests that this variant may show reduced penetrance.

Laboratorio de I+D, Fundación Centro Médico de Asturias
Classification: Uncertain significance for Hereditary breast ovarian cancer syndrome. Last evaluated: 2025-07-09. Review status: criteria provided, single submitter. Criteria: ACMG Guidelines, 2015. Collection method: clinical testing. Allele origin: germline.
Comment: PM2_Suporting+PP3+BP1

Genetic Services Laboratory, University of Chicago
Classification: Likely pathogenic. Last evaluated: 2025-06-18. Review status: criteria provided, single submitter. Criteria: ACMG Guidelines, 2015. Collection method: clinical testing. Allele origin: germline.
Comment: The c.190G>A variant: Results in an amino acid change, p.Glu64Lys. Affects a poorly conserved amino acid residue located in a domain of the CHEK2 protein that is not known to be functional. Appears to be benign using several in-silico pathogenicity prediction tools. Has been described in the literature in other individuals with prostate cancer, breast cancer, ovarian cancer, colorectal cancer and pancreatic cancer and has been found to segregate with disease in some families (PMID: 12533788, 16835864, 16941491, 24082139, 27433846, 31220302, 22114986, 25503501, 26976419, 27616075, 31050813, 26681312,27696107, 28135145, 26681312, 27779110, 26681312, 26845104, 31050813). o;Is reported in the gnomAD v4 database with a frequency of 0.017% in the global population (dbSNP rs141568342). Has also been identified in 11 of 9884 females over the age of 70 without personal history of cancer (FLOSSIES database). Functional cell based assay showed reduction in phosphorylation and kinase activity (PMID: 16835864, 31050813) but yeast based assays had conflicting results in DNA damage repair assays (PMID 22419737, 30851065). ClinVar contains an entry for this variant (Variation ID: 128068). Collectively, this evidence indicates that this variant is likely pathogenic, however functional studies have not been performed to prove this conclusively. While the penetrance of this variant has not been determined, the elevated frequency in population databases and population matched controls (gnomAD, FLOSSIES) suggests that this variant may have decreased penetrance.

Quest Diagnostics Nichols Institute San Juan Capistrano
Classification: Uncertain significance. Last evaluated: 2025-05-08. Review status: criteria provided, single submitter. Criteria: Quest Diagnostics criteria. Collection method: clinical testing. Allele origin: unknown.
Comment: The CHEK2 c.190G>A (p.Glu64Lys) variant has been reported in the published literature in individuals with prostate cancer (PMID: 12533788 (2003), 16941491 (2006), 24082139 (2013), 27433846 (2016), 28873162 (2017)), breast cancer and/or ovarian cancer (PMID: 22419737 (2012), 25186627 (2015), 26976419 (2016), 26681312 (2016), 26845104 (2016), 27616075 (2016), 27779110 (2017), 28779002 (2017), 29555771 (2018), 30322717 (2018), 30303537 (2019), 31050813 (2019), 32923877 (2020), 31786208 (2020), 32805687 (2020), 33919281 (2021), 33471991 (2021)), and colorectal cancer (PMID: 28135145 (2017)). The variant has also been identified in reportedly unaffected individuals (PMID: 26506619 (2015), 28779002 (2017), 30303537 (2019), 33471991 (2021)). Functional studies have reported conflicting results regarding the effect of this variant on CHEK2 protein function (PMID: 16835864 (2006), 22419737 (2012), 30851065 (2019), 37449874 (2023)). The frequency of this variant in the general population (Genome Aggregation Database) is uninformative in the assessment of its pathogenicity. Analysis of this variant using bioinformatics tools for the prediction of the effect of amino acid changes on protein structure and function yielded conflicting predictions that this variant is deleterious or benign. Based on the available information, we are unable to determine the clinical significance of this variant.

Women's Health and Genetics/Laboratory Corporation of America, LabCorp
Classification: Likely pathogenic for Hereditary breast ovarian cancer syndrome. Last evaluated: 2025-03-31. Review status: criteria provided, single submitter. Criteria: LabCorp Variant Classification Summary - May 2015. Collection method: clinical testing. Allele origin: germline.
Comment: Variant summary: CHEK2 c.190G>A (p.Glu64Lys) results in a conservative amino acid change in the encoded protein sequence. Three of five in-silico tools predict a benign effect of the variant on protein function. The variant allele was found at a frequency of 0.00016 in 251468 control chromosomes. This frequency is not significantly higher than estimated for a pathogenic variant in CHEK2 causing Hereditary Breast And Ovarian Cancer Syndrome (0.00016 vs 0.00031), allowing no conclusion about variant significance. c.190G>A has been reported in the literature in individuals affected with breast or ovarian cancer (e.g. Desrichard_2011, Susswein_2015, Kraus_2016, Shirts_2016, Girard_2019, Kleiblova_2019, Tsaousis_2019, Hou_2020, Heygate_2020, Toss_2020, Rodriguez-Balada_2020, Vargas-Parra_2020, Dorling 2021, Infante_2024), and in those affected with other cancer types related to Hereditary Breast And Ovarian Cancer Syndrome, such as prostate, colorectal, and pancreatic cancers (e.g. Rohlin_2016, Wu_2006, Pritchard_2016, Yurgelun_2017, Dong_2003, Orsi_2024, Abida_2017, Chaffee_2018). However, the variant has also been reported in controls (e.g. Girard_2019, Kleiblova_2019, and Dorling 2021), and in at least one family study, the variant was not transmitted to an affected individual from an affected parent, thus the variant did not segregate with disease (Kleiblova_2019). Several publications report experimental evidence evaluating an impact on protein function. Assays performed in yeast model systems have reported conflicting results: one study found that the variant impaired growth following DNA damage (Roeb_2012), while a similar study reported no significant impact on growth (Delimitsou_2019). Other laboratories have reported a reduction in CHEK2-specific phosphorylation and kinase activities in vitro (examples- Wu_2006, Kleiblova_2019). In addition, a recent case-control analysis showed that this variant is associated with breast cancer (Boonen_2022). The following publications have been ascertained in the context of this evaluation (PMID: 28825054, 31398194, 39029294, 34903604, 38061684, 28726808, 30851065, 22114986, 12533788, 33471991, 30303537, 32923877, 31980526, 31050813, 27616075, 27433846, 31786208, 22419737, 27696107, 26845104, 26681312, 33919281, 30374176, 31159747, 32906215, 16835864, 28135145, 30447919). ClinVar contains an entry for this variant (Variation ID: 128068). Based on the evidence outlined above, the variant was classified as likely pathogenic.

GeneDx
Classification: Likely pathogenic. Last evaluated: 2025-03-25. Review status: criteria provided, single submitter. Criteria: GeneDx Variant Classification Process June 2021. Collection method: clinical testing. Allele origin: germline. Affected: yes.
Comment: Observed in individuals with CHEK2-related cancers with case-control comparisons supporting this variant is associated with breast cancer (PMID: 22419737, 34326862, 34903604, 37449874, 37839337); Published functional studies demonstrate intermediate to impaired auto-phosphorylation and kinase activity, with some conflicting results (PMID: 16835864, 22419737, 30851065, 31050813, 34903604, 37449874); In silico analysis supports that this missense variant has a deleterious effect on protein structure/function; This variant is associated with the following publications: (PMID: 26681312, 27616075, 28135145, 29522266, 27779110, 27433846, 31786208, 33919281, 35053600, 32906215, 22419737, 16835864, 24082139, 16941491, 22114986, 12533788, 27067391, 26976419, 26506619, 26845104, 27696107, 28135136, 27621404, 28726808, 28873162, 29555771, 29555025, 10973490, 30851065, 31050813, 31220302, 30322717, 31159747, 30303537, 30374176, 31101557, 32805687, 31980526, 32708810, 34426522, 34903604, 33606978, 32522261, 32923877, 35101071, 33047316, 33471991, 38061684, 34326862, 37449874, 36011273, 36315097, 35127508, 37507557, 37839337, 11733767)

Molecular Pathology, Peter Maccallum Cancer Centre
Classification: Uncertain significance for Familial cancer of breast. Last evaluated: 2025-03-18. Review status: criteria provided, single submitter. Criteria: ACMG Guidelines, 2015. Collection method: clinical testing. Allele origin: germline. Inheritance: Autosomal dominant inheritance.

Department of Clinical Genetics, Copenhagen University Hospital, Rigshospitalet
Classification: Uncertain significance for Hereditary cancer-predisposing syndrome. Last evaluated: 2025-02-04. Review status: criteria provided, single submitter. Criteria: ACMG Guidelines, 2015. Collection method: clinical testing. Allele origin: germline.
Comment: ClinVar LP/VUS

Blueprint Genetics
Classification: Uncertain significance. Last evaluated: 2024-11-18. Review status: criteria provided, single submitter. Criteria: ACMG Guidelines, 2015. Collection method: clinical testing. Allele origin: germline.